The following is an entry in ClinVar:

ClinVar aggregate classification (germline): Likely pathogenic. Review status: criteria provided, multiple submitters, no conflicts (2 of 4 stars). 3 submissions from 3 submitters: Likely pathogenic (3). Last evaluated 2025-07-09.

Conditions:
Joubert syndrome. Also called: CEREBELLOPARENCHYMAL DISORDER IV; JOUBERT-BOLTSHAUSER SYNDROME; Familial aplasia of the vermis. Identifiers: Orphanet 475, MedGen C5979921, MONDO:0018772.
Nephronophthisis. Also called: Juvenile Nephronophthisis. Identifiers: Orphanet 655, MedGen C0687120, MONDO:0019005, HP:0000090.
Meckel-Gruber syndrome. Also called: DYSENCEPHALIA SPLANCHNOCYSTICA; GRUBER SYNDROME; Dysencephalia splachnocystica. Identifiers: Orphanet 564, MedGen C0265215, MONDO:0018921.
Bardet-Biedl syndrome 14 (BBS14). Identifiers: Orphanet 110, MedGen C2673874, MONDO:0014442, OMIM 615991.

Submissions (3):

Labcorp Genetics (formerly Invitae), Labcorp
Classification: Likely pathogenic for Joubert syndrome; Meckel-Gruber syndrome; Nephronophthisis. Last evaluated: 2025-07-09. Review status: criteria provided, single submitter. Criteria: Invitae Variant Classification Sherloc (09022015). Collection method: clinical testing. Allele origin: germline.
Comment: This sequence change affects an acceptor splice site in intron 30 of the CEP290 gene. It is expected to disrupt RNA splicing. Variants that disrupt the donor or acceptor splice site typically lead to a loss of protein function (PMID: 16199547), and loss-of-function variants in CEP290 are known to be pathogenic (PMID: 16909394, 17345604, 20690115). This variant is not present in population databases (gnomAD no frequency). This variant has not been reported in the literature in individuals affected with CEP290-related conditions. ClinVar contains an entry for this variant (Variation ID: 2579360). Algorithms developed to predict the effect of sequence changes on RNA splicing suggest that this variant may disrupt the consensus splice site. In summary, the currently available evidence indicates that the variant is pathogenic, but additional data are needed to prove that conclusively. Therefore, this variant has been classified as Likely Pathogenic.

Baylor Genetics
Classification: Likely pathogenic for Bardet-Biedl syndrome 14. Last evaluated: 2023-12-29. Review status: criteria provided, single submitter. Criteria: ACMG Guidelines, 2015. Collection method: clinical testing. Allele origin: unknown.

GeneDx
Classification: Likely pathogenic. Last evaluated: 2023-09-05. Review status: criteria provided, single submitter. Criteria: GeneDx Variant Classification Process June 2021. Collection method: clinical testing. Allele origin: germline. Affected: yes.
Comment: Canonical splice site variant expected to result in aberrant splicing, although in the absence of functional evidence the actual effect of this sequence change is unknown.; Not observed at significant frequency in large population cohorts (gnomAD); Has not been previously published as pathogenic or benign to our knowledge

Literature cited by the submitters: PubMed 16199547 (cited by Labcorp Genetics (formerly Invitae), Labcorp); PubMed 16909394 (cited by Labcorp Genetics (formerly Invitae), Labcorp); PubMed 17345604 (cited by Labcorp Genetics (formerly Invitae), Labcorp); PubMed 20690115 (cited by Labcorp Genetics (formerly Invitae), Labcorp).

NM_025114.4(CEP290):c.3574-2A>G

Gene: CEP290 (centrosomal protein 290; minus strand). Cytogenetic location: 12q21.32.
Variant type: single nucleotide variant.
Coding change: c.3574-2A>G on transcript NM_025114.4 (MANE Select); the canonical splice acceptor site of the intron before coding-DNA position 3574, A replaced by G.
Molecular consequence: splice acceptor variant.
Genome position (GRCh38, 1-based): chr12:88,089,489, T>C on the plus strand (A>G on the coding strand, the complement: CEP290 is on the minus strand). VCF-style: chr12-88089489-T-C. GRCh37 (hg19) VCF-style: chr12-88483266-T-C.
Identifiers: ClinVar variation 2579360 (VCV002579360.5), dbSNP rs2500121943, ClinGen allele CA386001425.